The following is an entry in ClinVar:

NM_021098.3(CACNA1H):c.5846A>T (p.Gln1949Leu)

Gene: CACNA1H (calcium voltage-gated channel subunit alpha1 H; plus strand). Cytogenetic location: 16p13.3.
Variant type: single nucleotide variant.
Coding change: c.5846A>T on transcript NM_021098.3 (MANE Select); coding-DNA position 5846, A replaced by T.
Protein change: p.Gln1949Leu; replaces glutamine 1949 with leucine.
Molecular consequence: missense variant.
Genome position (GRCh38, 1-based): chr16:1,218,610, A>T. VCF-style: chr16-1218610-A-T. GRCh37 (hg19) VCF-style: chr16-1268610-A-T.
Other names: c.5828A>T, p.Gln1943Leu (NM_001005407.2); short protein forms Q1943L, Q1949L.
Identifiers: ClinVar variation 2634307 (VCV002634307.6), dbSNP rs904060362, ClinGen allele CA276612714.

ClinVar aggregate classification (germline): Conflicting classifications of pathogenicity. Review status: criteria provided, conflicting classifications (1 of 4 stars). 4 submissions from 4 submitters: Uncertain significance (3); Likely benign (1). Last evaluated 2024-11-26.

Conditions:
Idiopathic generalized epilepsy. Also called: Generalised epilepsy; EIG. Identifiers: MedGen C0270850, MONDO:0005579, OMIM 600669.
Hyperaldosteronism, familial, type IV (HALD4). Also called: FH IV; ALDOSTERONISM, PRIMARY, AND HYPERTENSION. Identifiers: Orphanet 642671, MedGen C4310756, MONDO:0014875, OMIM 617027.
CACNA1H-related disorder.
Epilepsy, childhood absence, susceptibility to, 6. Identifiers: Orphanet 64280, MedGen C2749872, MONDO:0012763, OMIM 611942.
Inborn genetic diseases. Identifiers: MedGen C0950123, MeSH D030342.

Allele frequency attached by ClinVar (database versions not stated): gnomAD 0.00001; TOPMed 0.00001.
gnomAD v4.1: 32 of 1,563,448 alleles (0.002%); highest among the groups gnomAD compares: Non-Finnish European, 0.0028%; no homozygotes.

Submissions (4):

Ambry Genetics
Classification: Uncertain significance for Inborn genetic diseases. Last evaluated: 2024-11-26. Review status: criteria provided, single submitter. Criteria: Ambry Variant Classification Scheme 2023. Collection method: clinical testing. Allele origin: germline.

Fulgent Genetics
Classification: Likely benign for Epilepsy, childhood absence, susceptibility to, 6; Hyperaldosteronism, familial, type IV. Last evaluated: 2024-03-06. Review status: criteria provided, single submitter. Criteria: ACMG Guidelines, 2015. Collection method: clinical testing. Allele origin: germline.

PreventionGenetics, part of Exact Sciences
Classification: Uncertain significance for CACNA1H-related condition. Last evaluated: 2023-02-17. Review status: criteria provided, single submitter. Criteria: ACMG Guidelines, 2015. Collection method: clinical testing. Allele origin: germline.
Comment: The CACNA1H c.5846A>T variant is predicted to result in the amino acid substitution p.Gln1949Leu. To our knowledge, this variant has not been reported in the literature or in a large population database, indicating this variant is rare. At this time, the clinical significance of this variant is uncertain due to the absence of conclusive functional and genetic evidence.

Labcorp Genetics (formerly Invitae), Labcorp
Classification: Uncertain significance for Idiopathic generalized epilepsy; Hyperaldosteronism, familial, type IV. Last evaluated: 2023-01-20. Review status: criteria provided, single submitter. Criteria: Invitae Variant Classification Sherloc (09022015). Collection method: clinical testing. Allele origin: germline.
Comment: In summary, the available evidence is currently insufficient to determine the role of this variant in disease. Therefore, it has been classified as a Variant of Uncertain Significance. Advanced modeling of protein sequence and biophysical properties (such as structural, functional, and spatial information, amino acid conservation, physicochemical variation, residue mobility, and thermodynamic stability) performed at Invitae indicates that this missense variant is not expected to disrupt CACNA1H protein function. This variant has not been reported in the literature in individuals affected with CACNA1H-related conditions. This variant is not present in population databases (gnomAD no frequency). This sequence change replaces glutamine, which is neutral and polar, with leucine, which is neutral and non-polar, at codon 1949 of the CACNA1H protein (p.Gln1949Leu).